The following is an entry in ClinVar:

NM_000153.4(GALC):c.1350C>G (p.Ser450Arg)

Gene: GALC (galactosylceramidase; minus strand). Cytogenetic location: 14q31.3.
Variant type: single nucleotide variant.
Coding change: c.1350C>G on transcript NM_000153.4 (MANE Select); coding-DNA position 1350, C replaced by G.
Protein change: p.Ser450Arg; replaces serine 450 with arginine.
Molecular consequence: missense variant.
Genome position (GRCh38, 1-based): chr14:87,947,867, G>C on the plus strand (C>G on the coding strand, the complement: GALC is on the minus strand). VCF-style: chr14-87947867-G-C. GRCh37 (hg19) VCF-style: chr14-88414211-G-C.
Other names: p.Ser450Arg; c.1281C>G, p.Ser427Arg (NM_001201401.2); c.1272C>G, p.Ser424Arg (NM_001201402.2); short protein forms S424R, S427R, S450R.
Identifiers: ClinVar variation 1810199 (VCV001810199.2), dbSNP rs398076, ClinGen allele CA390746660.

ClinVar aggregate classification (germline): Uncertain significance (1 of 4 stars; one submission).

Conditions:
Galactosylceramide beta-galactosidase deficiency. Also called: Krabbe Disease; Leukodystrophy, Globoid Cell; GALACTOCEREBROSIDASE DEFICIENCY; GALC DEFICIENCY; GLOBOID CELL LEUKOENCEPHALOPATHY. Identifiers: Orphanet 487, MedGen C0023521, MONDO:0009499, OMIM 245200.

Submission:

Foundation for Research in Genetics and Endocrinology, FRIGE's Institute of Human Genetics
Classification: Uncertain significance for Galactosylceramide beta-galactosidase deficiency. Last evaluated: 2022-12-28. Review status: criteria provided, single submitter. Criteria: ACMG Guidelines, 2015. Collection method: clinical testing. Allele origin: germline. Inheritance: Autosomal recessive inheritance. Affected: yes. Observed: 1 heterozygote.
Comment: A Homozygous missense variation in exon 13 of the GALC gene that results in the amino acid substitution of Arginine for Serine at codon 450 was detected. The observed variant c.1350C>G (p.Ser450Arg) has not been reported in the 1000 genomes and ExAC databases. The in silico prediction of the variant are possibly damaging by PolyPhen-2 (HumDiv) and damaging by LRT and MutationTaster2. The reference codon is conserved across species. In summary, the variant meets our criteria to be classified as a variant of uncertain significance.